The following is an entry in ClinVar:

ClinVar aggregate classification (germline): Benign (0 of 4 stars; one submission).

Conditions:
KIF26B-related disorder. Also called: KIF26B-related condition.

Allele frequency attached by ClinVar (database versions not stated): gnomAD exomes 0.02094; ESP Exome Variant Server 0.02133; 1000 Genomes Project 0.02835; gnomAD 0.02914; 1000 Genomes Project 30x 0.03045; TOPMed 0.03189; ExAC 0.03969.
gnomAD v4.1: 34,911 of 1,609,338 alleles (2.2%); highest among the groups gnomAD compares: Admixed American, 10%; 662 homozygotes.

Submission:

PreventionGenetics, part of Exact Sciences
Classification: Benign for KIF26B-related condition. Last evaluated: 2020-01-27. Review status: no assertion criteria provided. Collection method: clinical testing. Allele origin: germline.
Comment: This variant is classified as benign based on ACMG/AMP sequence variant interpretation guidelines (Richards et al. 2015 PMID: 25741868, with internal and published modifications).

NM_018012.4(KIF26B):c.1776A>C (p.Ser592=)

Gene: KIF26B (kinesin family member 26B; plus strand). Cytogenetic location: 1q44.
Variant type: single nucleotide variant.
Coding change: c.1776A>C on transcript NM_018012.4 (MANE Select); coding-DNA position 1776, A replaced by C.
Protein change: p.Ser592=; no amino-acid change (serine 592 retained).
Molecular consequence: synonymous variant.
Genome position (GRCh38, 1-based): chr1:245,609,390, A>C. VCF-style: chr1-245609390-A-C. GRCh37 (hg19) VCF-style: chr1-245772692-A-C.
Identifiers: ClinVar variation 3060416 (VCV003060416.2), dbSNP rs61755865, ClinGen allele CA1487782.